The following is an entry in ClinVar:

ClinVar aggregate classification (germline): Uncertain significance. Review status: criteria provided, multiple submitters, no conflicts (2 of 4 stars). 2 submissions from 2 submitters: Uncertain significance (2). Last evaluated 2024-12-15.

Conditions:
Neutropenia, severe congenital, 2, autosomal dominant. Identifiers: Orphanet 486, MedGen C2751288, MONDO:0013139, OMIM 613107.

Allele frequency attached by ClinVar (database versions not stated): ExAC 0.00001; gnomAD exomes 0.00001; TOPMed 0.00001; gnomAD 0.00003 and 0.00004.

Submissions (2):

Ambry Genetics
Classification: Uncertain significance. Last evaluated: 2024-12-15. Review status: criteria provided, single submitter. Criteria: Ambry Variant Classification Scheme 2023. Collection method: clinical testing. Allele origin: germline.
Comment: The p.R225C variant (also known as c.673C>T), located in coding exon 3 of the GFI1 gene, results from a C to T substitution at nucleotide position 673. The arginine at codon 225 is replaced by cysteine, an amino acid with highly dissimilar properties. This amino acid position is conserved. In addition, this alteration is predicted to be tolerated by in silico analysis. Based on the available evidence, the clinical significance of this variant remains unclear.

Labcorp Genetics (formerly Invitae), Labcorp
Classification: Uncertain significance for Neutropenia, severe congenital, 2, autosomal dominant. Last evaluated: 2024-10-25. Review status: criteria provided, single submitter. Criteria: Invitae Variant Classification Sherloc (09022015). Collection method: clinical testing. Allele origin: germline.
Comment: This sequence change replaces arginine, which is basic and polar, with cysteine, which is neutral and slightly polar, at codon 225 of the GFI1 protein (p.Arg225Cys). This variant is present in population databases (rs758843797, gnomAD 0.006%). This variant has not been reported in the literature in individuals affected with GFI1-related conditions. ClinVar contains an entry for this variant (Variation ID: 1057197). Invitae Evidence Modeling of protein sequence and biophysical properties (such as structural, functional, and spatial information, amino acid conservation, physicochemical variation, residue mobility, and thermodynamic stability) indicates that this missense variant is not expected to disrupt GFI1 protein function with a negative predictive value of 80%. In summary, the available evidence is currently insufficient to determine the role of this variant in disease. Therefore, it has been classified as a Variant of Uncertain Significance.

NM_005263.5(GFI1):c.673C>T (p.Arg225Cys)

Gene: GFI1 (growth factor independent 1 transcriptional repressor; minus strand). Cytogenetic location: 1p22.1.
Variant type: single nucleotide variant.
Coding change: c.673C>T on transcript NM_005263.5 (MANE Select); coding-DNA position 673, C replaced by T.
Protein change: p.Arg225Cys; replaces arginine 225 with cysteine.
Molecular consequence: missense variant.
Genome position (GRCh38, 1-based): chr1:92,480,714, G>A on the plus strand (C>T on the coding strand, the complement: GFI1 is on the minus strand). VCF-style: chr1-92480714-G-A. GRCh37 (hg19) VCF-style: chr1-92946271-G-A.
Other names: c.673C>T (NM_005263.3); c.673C>T, p.Arg225Cys (NM_001127215.3, NM_001127216.3); short protein forms R225C.
Identifiers: ClinVar variation 1057197 (VCV001057197.11), dbSNP rs758843797, ClinGen allele CA951342.